The following is an entry in ClinVar:

NM_007194.4(CHEK2):c.1260-10C>G

Gene: CHEK2 (checkpoint kinase 2; minus strand). Cytogenetic location: 22q12.1.
Variant type: single nucleotide variant.
Coding change: c.1260-10C>G on transcript NM_007194.4 (MANE Select); 10 bases into the intron before coding-DNA position 1260, C replaced by G.
Molecular consequence: intron variant.
Genome position (GRCh38, 1-based): chr22:28,695,252, G>C on the plus strand (C>G on the coding strand, the complement: CHEK2 is on the minus strand). VCF-style: chr22-28695252-G-C. GRCh37 (hg19) VCF-style: chr22-29091240-G-C.
Other names: c.597-10C>G (NM_001437942.1, NM_001257387.3); c.1059-10C>G (NM_001349956.3); c.1173-10C>G (NM_145862.3); c.1266-10C>G (NM_001438295.1); c.1353-10C>G (NM_001438293.1); c.1302-10C>G (NM_001438294.1); c.1389-10C>G (NM_001005735.3).
Identifiers: ClinVar variation 182459 (VCV000182459.33), dbSNP rs730881706, ClinGen allele CA299124.

ClinVar aggregate classification (germline): Conflicting classifications of pathogenicity. Review status: criteria provided, conflicting classifications (1 of 4 stars). 15 submissions from 15 submitters: Uncertain significance (1); Benign (3); Likely benign (6). 5 of the submissions do not count toward it. Last evaluated 2026-01-06.

Conditions:
Breast and/or ovarian cancer. Identifiers: MedGen CN221562.
Hereditary cancer-predisposing syndrome. Also called: Tumor predisposition; Hereditary Cancer Syndrome; Hereditary neoplastic syndrome; Neoplastic Syndromes, Hereditary. Identifiers: Orphanet 140162, MedGen C0027672, MeSH D009386, MONDO:0015356.
Familial cancer of breast. Also called: hereditary breast carcinoma; Hereditary breast cancer; BREAST CANCER, FAMILIAL. Identifiers: Orphanet 227535, MedGen C0346153, MONDO:0016419, OMIM 114480. Disease mechanism: loss of function.

Allele frequency attached by ClinVar (database versions not stated): TOPMed 0.00002; gnomAD 0.00006; gnomAD exomes 0.00006.
gnomAD v4.1: 104 of 1,456,854 alleles (0.0071%); highest among the groups gnomAD compares: Non-Finnish European, 0.0098%; no homozygotes.

Submissions (15):

Labcorp Genetics (formerly Invitae), Labcorp
Classification: Likely benign for Familial cancer of breast. Last evaluated: 2026-01-06. Review status: criteria provided, single submitter. Criteria: Invitae Variant Classification Sherloc (09022015). Collection method: clinical testing. Allele origin: germline.

Center for Genomic Medicine, Rigshospitalet, Copenhagen University Hospital
Classification: Likely benign. Last evaluated: 2025-03-04. Review status: criteria provided, single submitter. Criteria: ACMG Guidelines, 2015. Collection method: clinical testing. Allele origin: germline.

Quest Diagnostics Nichols Institute San Juan Capistrano
Classification: Uncertain significance. Last evaluated: 2025-02-22. Review status: criteria provided, single submitter. Criteria: Quest Diagnostics criteria. Collection method: clinical testing. Allele origin: unknown.
Comment: The CHEK2 c.1260-10C>G variant has been reported in the published literature in an individual with breast cancer (PMID: 25186627 (2015)). The frequency of this variant in the general population (Genome Aggregation Database) is uninformative in the assessment of its pathogenicity. Analysis of this variant using software algorithms for the prediction of the effect of nucleotide changes on CHEK2 mRNA splicing yielded inconclusive findings. Based on the available information, we are unable to determine the clinical significance of this variant.

Blueprint Genetics
Classification: Likely benign. Last evaluated: 2022-11-09. Review status: criteria provided, single submitter. Criteria: ACMG Guidelines, 2015. Collection method: clinical testing. Allele origin: germline.

CHEO Genetics Diagnostic Laboratory, Children's Hospital of Eastern Ontario
Classification: Likely benign for Breast and/or ovarian cancer. Last evaluated: 2022-05-26. Review status: criteria provided, single submitter. Criteria: ACMG Guidelines, 2015. Collection method: clinical testing. Allele origin: germline.

Sema4
Classification: Likely benign for Hereditary cancer-predisposing syndrome. Last evaluated: 2021-03-24. Review status: criteria provided, single submitter. Criteria: Sema4 Curation Guidelines. Collection method: curation. Allele origin: germline.

Genetic Services Laboratory, University of Chicago
Classification: Likely benign. Last evaluated: 2020-09-08. Review status: criteria provided, single submitter. Criteria: ACMG Guidelines, 2015. Collection method: clinical testing. Allele origin: germline. Affected: no.

Women's Health and Genetics/Laboratory Corporation of America, LabCorp
Classification: Benign. Last evaluated: 2017-09-07. Review status: criteria provided, single submitter. Criteria: LabCorp Variant Classification Summary - May 2015. Collection method: clinical testing. Allele origin: germline.
Comment: Variant summary: The CHEK2 c.1260-10C>G variant involves the alteration of a non-conserved intronic nucleotide. One in silico tool predicts a damaging outcome for this variant. 5/5 splice prediction tools predict no significant impact on normal splicing. However, these predictions have yet to be confirmed by functional studies. This variant was found in 6/110696 control chromosomes (1 homozygote) in ExAC and 17/275124 control chromosomes in gnomAD (1 homozygote), predominantly observed in the European (Non-Finnish) subpopulation at frequency of 0.0001 (6/59812 in ExAC) and 0.0001355 (17/125452 in genomAD). These frequency are about 4 ~ 5 times the estimated maximal expected allele frequency of a pathogenic CHEK2 variant (0.0000284), suggesting this is likely a benign polymorphism found primarily in the populations of European (Non-Finnish) origin. In addition, multiple clinical diagnostic laboratories/reputable databases classified this variant as benign/likely benign. Taken together, this variant is classified as benign.

Color Diagnostics, LLC DBA Color Health
Classification: Benign for Hereditary cancer-predisposing syndrome. Last evaluated: 2017-03-20. Review status: criteria provided, single submitter. Criteria: ACMG Guidelines, 2015. Collection method: clinical testing. Allele origin: germline.

GeneDx
Classification: Benign. Last evaluated: 2014-08-13. Review status: criteria provided, single submitter. Criteria: GeneDx Variant Classification (06012015). Collection method: clinical testing. Allele origin: germline. Affected: yes.
Comment: This variant is considered likely benign or benign based on one or more of the following criteria: it is a conservative change, it occurs at a poorly conserved position in the protein, it is predicted to be benign by multiple in silico algorithms, and/or has population frequency not consistent with disease.

Clinical Genetics DNA and cytogenetics Diagnostics Lab, Erasmus MC, Erasmus Medical Center
Classification: Likely benign. Review status: no assertion criteria provided. Collection method: clinical testing. Allele origin: germline. Affected: yes. Study: VKGL Data-share Consensus. Not counted in ClinVar's aggregate classification.

Clinical Genetics Laboratory, Department of Pathology, Netherlands Cancer Institute
Classification: Likely benign. Review status: no assertion criteria provided. Collection method: clinical testing. Allele origin: germline. Affected: yes. Study: VKGL Data-share Consensus. Not counted in ClinVar's aggregate classification.

Diagnostic Laboratory, Department of Genetics, University Medical Center Groningen
Classification: Likely benign. Review status: no assertion criteria provided. Collection method: clinical testing. Allele origin: germline. Affected: yes. Study: VKGL Data-share Consensus. Not counted in ClinVar's aggregate classification.

Joint Genome Diagnostic Labs from Nijmegen and Maastricht, Radboudumc and MUMC+
Classification: Likely benign. Review status: no assertion criteria provided. Collection method: clinical testing. Allele origin: germline. Affected: yes. Study: VKGL Data-share Consensus. Not counted in ClinVar's aggregate classification.

Laboratory of Diagnostic Genome Analysis, Leiden University Medical Center (LUMC)
Classification: Likely benign. Review status: no assertion criteria provided. Collection method: clinical testing. Allele origin: germline. Affected: yes. Study: VKGL Data-share Consensus. Not counted in ClinVar's aggregate classification.

Literature cited by the submitters: PubMed 25186627 (cited by Quest Diagnostics Nichols Institute San Juan Capistrano).